The following is an entry in ClinVar:

ClinVar aggregate classification (germline): Uncertain significance (1 of 4 stars; one submission).

Conditions:
Autosomal dominant non-syndromic intellectual disability. Identifiers: Orphanet 178469, MedGen C5680502, MONDO:0015802.

gnomAD v4.1: 17 of 1,463,982 alleles (0.0012%); highest among the groups gnomAD compares: African/African-American, 0.0015%; no homozygotes.

Submission:

Department of Human Genetics, University Hospital Bern, Inselspital
Classification: Uncertain significance for Autosomal dominant non-syndromic intellectual disability. Last evaluated: 2026-05-03. Review status: criteria provided, single submitter. Criteria: ACMG Guidelines, 2015. Collection method: clinical testing. Allele origin: unknown. Affected: yes.
Comment: The variant affects the start codon of alternative transcript NM_001256630.1. It is reported 17x in gnomAD v4.1.0.

Literature cited by the submitters: PubMed 42509346.

NM_001256627.2(BRSK2):c.91+21030A>G

Gene: BRSK2 (BR serine/threonine kinase 2; plus strand). Cytogenetic location: 11p15.5.
Variant type: single nucleotide variant.
Coding change: c.91+21030A>G on transcript NM_001256627.2 (MANE Select); 21030 bases into the intron after coding-DNA position 91, A replaced by G.
Molecular consequence: intron variant. On other transcripts: missense variant (2), initiator codon variant (2).
Genome position (GRCh38, 1-based): chr11:1,411,405, A>G. VCF-style: chr11-1411405-A-G. GRCh37 (hg19) VCF-style: chr11-1432635-A-G.
Other names: c.1A>G, p.Met1Val (NM_001256630.1, NM_001440667.1); c.91+21030A>G (NM_001440665.1, NM_001440668.1, NM_001440670.1 and 3 more transcripts); c.-90+1774A>G (NM_001440674.1); c.-90+1546A>G (NM_001440671.1, NM_001440672.1, NM_001440669.1 and 2 more transcripts); c.-90+499A>G (NM_001282218.2, NM_001440675.1); short protein forms M1V.
Identifiers: ClinVar variation 4849536 (VCV004849536.1).